The following is an entry in ClinVar:

ClinVar aggregate classification (germline): Pathogenic (0 of 4 stars; one submission).

Submission:

Quest Diagnostics Nichols Institute San Juan Capistrano
Classification: Pathogenic. Last evaluated: 2021-03-01. Review status: no assertion criteria provided. Collection method: clinical testing. Allele origin: germline.
Comment: This copy number loss is expected to cause phenotypic and/or developmental abnormalities. Inherited and de novo deletions involving 16p13.11 have been implicated in variable phenotypes ranging from normalcy to neurodevelopmental disorders with intellectual disability (Tropeano et al. PLoS One. 2013 Apr 18;8(4):e61365. PMID: 23637818; Nagamani et al., Eur J Hum Genet. 2010 19(3):280-6, PMID: 21150890; Hannes et al., 2009. J Med Genet. 46(4):223-32, PMID: 18550696; Ullmann et al., 2007. Hum Mutat. 28(7):674-82, PMID: 17480035). Inheritance from a normal or mildly affected parent has been reported, suggesting incomplete penetrance and variable expressivity. NDE1 (609449) is the strongest candidate gene for the associated neurodevelopmental phenotypes. Other genes likely contribute to the phenotype as well. Additional information on this locus is as follows: Biallelic pathogenic variants in NDE1 are also associated with autosomal recessive lissencephaly 4 with microcephaly (OMIM 614019) and microhydranencephaly (605013).

GRCh37/hg19 16p13.11(chr16:15418575-16494783)x1

Genes: MPV17L (MPV17 mitochondrial inner membrane protein like; plus strand), MARF1 (meiosis regulator and mRNA stability factor 1; minus strand), ABCC1 (ATP binding cassette subfamily C member 1 (ABCC1 blood group); plus strand), ABCC6 (ATP binding cassette subfamily C member 6; minus strand), BMERB1 (bMERB domain containing 1; plus strand) and 5 more. Cytogenetic location: 16p13.11.
Variant type: copy number loss.
Change: copy number 1 (one copy instead of two) of chr16:15,418,575-16,494,783 (1.08 Mb, GRCh37 coordinates, 1-based), cytogenetic band 16p13.11.
Identifiers: ClinVar variation 1339967 (VCV001339967.1).